The following is an entry in ClinVar:

ClinVar aggregate classification (germline): Uncertain significance (1 of 4 stars; one submission).

Conditions:
Cardiovascular phenotype. Identifiers: MedGen CN230736.

Submission:

Ambry Genetics
Classification: Uncertain significance for Cardiovascular phenotype. Last evaluated: 2025-06-16. Review status: criteria provided, single submitter. Criteria: Ambry Variant Classification Scheme 2023. Collection method: clinical testing. Allele origin: germline.
Comment: The p.D16E variant (also known as c.48C>G), located in coding exon 1 of the MAP2K1 gene, results from a C to G substitution at nucleotide position 48. The aspartic acid at codon 16 is replaced by glutamic acid, an amino acid with highly similar properties. This amino acid position is conserved. In addition, this alteration is predicted to be tolerated by in silico analysis. Based on the available evidence, the clinical significance of this variant remains unclear.

NM_002755.4(MAP2K1):c.48C>G (p.Asp16Glu)

Gene: MAP2K1 (mitogen-activated protein kinase kinase 1; plus strand). Cytogenetic location: 15q22.31.
Variant type: single nucleotide variant.
Coding change: c.48C>G on transcript NM_002755.4 (MANE Select); coding-DNA position 48, C replaced by G.
Protein change: p.Asp16Glu; replaces aspartic acid 16 with glutamic acid.
Molecular consequence: missense variant.
Genome position (GRCh38, 1-based): chr15:66,387,395, C>G. VCF-style: chr15-66387395-C-G. GRCh37 (hg19) VCF-style: chr15-66679733-C-G.
Other names: short protein forms D16E.
Identifiers: ClinVar variation 4103121 (VCV004103121.1).